The following is an entry in ClinVar:

ClinVar aggregate classification (germline): Likely benign (1 of 4 stars; one submission).

Allele frequency attached by ClinVar (database versions not stated): ExAC 0.00006; TOPMed 0.00010; gnomAD 0.00011; gnomAD exomes 0.00012.
gnomAD v4.1: 190 of 1,613,708 alleles (0.012%); highest among the groups gnomAD compares: Middle Eastern, 0.15%; no homozygotes.

Submission:

CeGaT Center for Human Genetics Tuebingen
Classification: Likely benign. Last evaluated: 2023-04-01. Review status: criteria provided, single submitter. Criteria: CeGaT Center For Human Genetics Tuebingen Variant Classification Criteria Version 2. Collection method: clinical testing. Allele origin: germline. Affected: yes. Observed: 1 variant allele.
Comment: MDM4: BP4, BP7

NM_002393.5(MDM4):c.96G>A (p.Pro32=)

Gene: MDM4 (MDM4 regulator of p53; plus strand). Cytogenetic location: 1q32.1.
Variant type: single nucleotide variant.
Coding change: c.96G>A on transcript NM_002393.5 (MANE Select); coding-DNA position 96, G replaced by A.
Protein change: p.Pro32=; no amino-acid change (proline 32 retained).
Molecular consequence: synonymous variant. On other transcripts: intron variant (2).
Genome position (GRCh38, 1-based): chr1:204,526,377, G>A. VCF-style: chr1-204526377-G-A. GRCh37 (hg19) VCF-style: chr1-204495505-G-A.
Other names: c.96G>A, p.Pro32= (NM_001204171.2, NM_001278516.2, NM_001278518.2 and 1 more transcripts); c.78+781G>A (NM_001278517.2, NM_001204172.2).
Identifiers: ClinVar variation 2639832 (VCV002639832.24), dbSNP rs778790692, ClinGen allele CA1348494.
Genomic context (GRCh38, chr1:204,526,377, plus strand): 5'-TACTTGAAATGTAAATAGCACATTTATTTTATGTTTATATCAGGTACGACCAAAACTGCC[G>A]CTTTTGAAGATTTTGCATGCAGCAGGTGCGCAAGGTGAAATGTTCACTGTTAAAGAGGTA-3'
Protein context (NP_002384.2, residues 22-42): GQINQVRPKL[Pro32=]LLKILHAAGA